The following is an entry in ClinVar:

ClinVar aggregate classification (germline): Uncertain significance (1 of 4 stars; one submission).

Conditions:
Autosomal recessive limb-girdle muscular dystrophy type R18 (LGMDR18). Also called: MUSCULAR DYSTROPHY, LIMB-GIRDLE, AUTOSOMAL RECESSIVE 18; Autosomal recessive limb-girdle muscular dystrophy type 2S; Limb-girdle muscular dystrophy, type 2S. Identifiers: Orphanet 369840, MedGen C4517996, MONDO:0014144, OMIM 615356.

Submission:

Labcorp Genetics (formerly Invitae), Labcorp
Classification: Uncertain significance for Autosomal recessive limb-girdle muscular dystrophy type R18. Last evaluated: 2023-12-11. Review status: criteria provided, single submitter. Criteria: Invitae Variant Classification Sherloc (09022015). Collection method: clinical testing. Allele origin: germline.
Comment: This sequence change replaces threonine, which is neutral and polar, with arginine, which is basic and polar, at codon 863 of the TRAPPC11 protein (p.Thr863Arg). This variant is not present in population databases (gnomAD no frequency). This variant has not been reported in the literature in individuals affected with TRAPPC11-related conditions. ClinVar contains an entry for this variant (Variation ID: 2061829). Advanced modeling of protein sequence and biophysical properties (such as structural, functional, and spatial information, amino acid conservation, physicochemical variation, residue mobility, and thermodynamic stability) has been performed at Invitae for this missense variant, however the output from this modeling did not meet the statistical confidence thresholds required to predict the impact of this variant on TRAPPC11 protein function. In summary, the available evidence is currently insufficient to determine the role of this variant in disease. Therefore, it has been classified as a Variant of Uncertain Significance.

NM_021942.6(TRAPPC11):c.2588C>G (p.Thr863Arg)

Gene: TRAPPC11 (trafficking protein particle complex subunit 11; plus strand). Cytogenetic location: 4q35.1.
Variant type: single nucleotide variant.
Coding change: c.2588C>G on transcript NM_021942.6 (MANE Select); coding-DNA position 2588, C replaced by G.
Protein change: p.Thr863Arg; replaces threonine 863 with arginine.
Molecular consequence: missense variant.
Genome position (GRCh38, 1-based): chr4:183,694,683, C>G. VCF-style: chr4-183694683-C-G. GRCh37 (hg19) VCF-style: chr4-184615836-C-G.
Other names: c.2588C>G, p.Thr863Arg (NM_199053.3); short protein forms T863R.
Identifiers: ClinVar variation 2061829 (VCV002061829.4), dbSNP rs751178433, ClinGen allele CA358872335.